The following is an entry in ClinVar:

ClinVar aggregate classification (germline): Benign/Likely benign. Review status: criteria provided, multiple submitters, no conflicts (2 of 4 stars). 7 submissions from 7 submitters: Benign (3); Likely benign (4). Last evaluated 2026-01-24.

Conditions:
Glycogen storage disease, type VI (GSD6). Also called: HERS DISEASE; PHOSPHORYLASE DEFICIENCY GLYCOGEN-STORAGE DISEASE OF LIVER; Glycogen storage disease type 6, due to phosphorylation; GSD VI; Glycogen storage disease type 6; Hepatic glycogen phosphorylase deficiency. Identifiers: Orphanet 369, MedGen C0017925, MONDO:0009294, OMIM 232700.

Allele frequency attached by ClinVar (database versions not stated): gnomAD 0.00323 and 0.00346; ESP Exome Variant Server 0.00331; TOPMed 0.00360; 1000 Genomes Project 30x 0.00437; 1000 Genomes Project 0.00439; gnomAD exomes 0.00043 and 0.00093; ExAC 0.00095.
gnomAD v4.1: 1,139 of 1,601,520 alleles (0.071%); highest among the groups gnomAD compares: African/African-American, 1.1%; 4 homozygotes.

Submissions (8):

Labcorp Genetics (formerly Invitae), Labcorp
Classification: Benign for Glycogen storage disease, type VI. Last evaluated: 2026-01-24. Review status: criteria provided, single submitter. Criteria: Invitae Variant Classification Sherloc (09022015). Collection method: clinical testing. Allele origin: germline.

Blueprint Genetics
Classification: Likely benign. Last evaluated: 2024-10-01. Review status: criteria provided, single submitter. Criteria: ACMG Guidelines, 2015. Collection method: clinical testing. Allele origin: germline.

Mayo Clinic Laboratories, Mayo Clinic
Classification: Benign. Last evaluated: 2024-07-01. Review status: criteria provided, single submitter. Criteria: ACMG Guidelines, 2015. Collection method: clinical testing. Allele origin: germline. Observed: 5 variant alleles.
Comment: BA1

ARUP Laboratories, Molecular Genetics and Genomics, ARUP Laboratories
Classification: Likely benign for Glycogen storage disease, type VI. Last evaluated: 2023-09-21. Review status: criteria provided, single submitter. Criteria: ARUP Molecular Germline Variant Investigation Process 2024. Collection method: clinical testing. Allele origin: germline.

CeGaT Center for Human Genetics Tuebingen
Classification: Likely benign. Last evaluated: 2023-08-01. Review status: criteria provided, single submitter. Criteria: CeGaT Center For Human Genetics Tuebingen Variant Classification Criteria Version 2. Collection method: clinical testing. Allele origin: germline. Affected: yes. Observed: 1 variant allele.
Comment: PYGL: BP4, BS1

Illumina Laboratory Services, Illumina
Classification: Likely benign for Glycogen storage disease, type VI. Last evaluated: 2018-01-13. Review status: criteria provided, single submitter. Criteria: ICSL Variant Classification Criteria 13 December 2019. Collection method: clinical testing. Allele origin: germline.
Comment: This variant was observed in the ICSL laboratory as part of a predisposition screen in an ostensibly healthy population. It had not been previously curated by ICSL or reported in the Human Gene Mutation Database (HGMD: prior to June 1st, 2018), and was therefore a candidate for classification through an automated scoring system. Utilizing variant allele frequency, disease prevalence and penetrance estimates, and inheritance mode, an automated score was calculated to assess if this variant is too frequent to cause the disease. Based on the score and internal cut-off values, a variant classified as likely benign is not then subjected to further curation. The score for this variant resulted in a classification of likely benign for this disease.

PreventionGenetics, part of Exact Sciences
Classification: Benign. Review status: criteria provided, single submitter. Criteria: ACMG Guidelines, 2015. Collection method: clinical testing. Allele origin: germline.

Dr. Peter K. Rogan Lab, Western University
No classification provided (evidence only). Condition: Acute myeloid leukemia. Review status: no classification provided. Collection method: in vitro. Allele origin: not applicable. Functional consequence: retained intron. Not counted in ClinVar's aggregate classification.

NM_002863.5(PYGL):c.424+6T>A

Gene: PYGL (glycogen phosphorylase L; minus strand). Cytogenetic location: 14q22.1.
Variant type: single nucleotide variant.
Coding change: c.424+6T>A on transcript NM_002863.5 (MANE Select); 6 bases into the intron after coding-DNA position 424, T replaced by A.
Molecular consequence: intron variant.
Genome position (GRCh38, 1-based): chr14:50,935,101, A>T on the plus strand (T>A on the coding strand, the complement: PYGL is on the minus strand). VCF-style: chr14-50935101-A-T. GRCh37 (hg19) VCF-style: chr14-51401819-A-T.
Other names: p.?; c.322+6T>A (NM_001163940.2).
Identifiers: ClinVar variation 258844 (VCV000258844.43), dbSNP rs146741789, ClinGen allele CA7183819.